The following is an entry in ClinVar:

NM_000238.4(KCNH2):c.526C>G (p.Arg176Gly)

Gene: KCNH2 (potassium voltage-gated channel subfamily H member 2; minus strand). Cytogenetic location: 7q36.1.
Variant type: single nucleotide variant.
Coding change: c.526C>G on transcript NM_000238.4 (MANE Select); coding-DNA position 526, C replaced by G.
Protein change: p.Arg176Gly; replaces arginine 176 with glycine.
Molecular consequence: missense variant. On other transcripts: non-coding transcript variant (1).
Genome position (GRCh38, 1-based): chr7:150,958,449, G>C on the plus strand (C>G on the coding strand, the complement: KCNH2 is on the minus strand). VCF-style: chr7-150958449-G-C. GRCh37 (hg19) VCF-style: chr7-150655537-G-C.
Other names: c.238C>G, p.Arg80Gly (NM_001406753.1, NM_001406756.1); c.349C>G, p.Arg117Gly (NM_001406755.1); c.226C>G, p.Arg76Gly (NM_001406757.1); c.526C>G, p.Arg176Gly (NM_172056.3); short protein forms R117G, R76G, R80G, R176G.
Identifiers: ClinVar variation 3532316 (VCV003532316.1).

ClinVar aggregate classification (germline): Uncertain significance (1 of 4 stars; one submission).

Conditions:
Cardiovascular phenotype. Identifiers: MedGen CN230736.

gnomAD v4.1: 1 of 1,466,264 alleles (0.000068%); highest among the groups gnomAD compares: Non-Finnish European, 0.00009%; no homozygotes.

Submission:

Ambry Genetics
Classification: Uncertain significance for Cardiovascular phenotype. Last evaluated: 2024-10-24. Review status: criteria provided, single submitter. Criteria: Ambry Variant Classification Scheme 2023. Collection method: clinical testing. Allele origin: germline.
Comment: The p.R176G variant (also known as c.526C>G), located in coding exon 4 of the KCNH2 gene, results from a C to G substitution at nucleotide position 526. The arginine at codon 176 is replaced by glycine, an amino acid with dissimilar properties. This amino acid position is well conserved in available vertebrate species. In addition, the in silico prediction for this alteration is inconclusive. Based on the available evidence, the clinical significance of this variant remains unclear.